The following is an entry in ClinVar:

ClinVar aggregate classification (germline): Likely benign. Review status: criteria provided, multiple submitters, no conflicts (2 of 4 stars). 3 submissions from 3 submitters: Likely benign (3). Last evaluated 2025-04-01.

Allele frequency attached by ClinVar (database versions not stated): gnomAD 0.00001; ExAC 0.00002; gnomAD exomes 0.00002 and 0.00003.
gnomAD v4.1: 40 of 1,614,036 alleles (0.0025%); highest among the groups gnomAD compares: Middle Eastern, 0.016%; no homozygotes.

Submissions (3):

CeGaT Center for Human Genetics Tuebingen
Classification: Likely benign. Last evaluated: 2025-04-01. Review status: criteria provided, single submitter. Criteria: CeGaT Center For Human Genetics Tuebingen Variant Classification Criteria Version 2. Collection method: clinical testing. Allele origin: germline. Affected: yes. Observed: 1 variant allele.
Comment: FLNB: BP4, BP7

Labcorp Genetics (formerly Invitae), Labcorp
Classification: Likely benign. Last evaluated: 2024-10-25. Review status: criteria provided, single submitter. Criteria: Invitae Variant Classification Sherloc (09022015). Collection method: clinical testing. Allele origin: germline.

Blueprint Genetics
Classification: Likely benign. Last evaluated: 2021-02-18. Review status: criteria provided, single submitter. Criteria: ACMG Guidelines, 2015. Collection method: clinical testing. Allele origin: germline.

NM_001457.4(FLNB):c.5481C>T (p.Tyr1827=)

Gene: FLNB (filamin B; plus strand). Cytogenetic location: 3p14.3.
Variant type: single nucleotide variant.
Coding change: c.5481C>T on transcript NM_001457.4 (MANE Select); coding-DNA position 5481, C replaced by T.
Protein change: p.Tyr1827=; no amino-acid change (tyrosine 1827 retained).
Molecular consequence: synonymous variant.
Genome position (GRCh38, 1-based): chr3:58,145,976, C>T. VCF-style: chr3-58145976-C-T. GRCh37 (hg19) VCF-style: chr3-58131703-C-T.
Other names: c.5574C>T, p.Tyr1858= (NM_001164317.2); c.5448C>T, p.Tyr1816= (NM_001164318.2); c.5409C>T, p.Tyr1803= (NM_001164319.2).
Identifiers: ClinVar variation 1605660 (VCV001605660.16), dbSNP rs201863441, ClinGen allele CA2469081.